The following is an entry in ClinVar:

NM_001080449.3(DNA2):c.1058-6del

Gene: DNA2 (DNA replication helicase/nuclease 2; minus strand). Cytogenetic location: 10q21.3.
Variant type: Deletion.
Coding change: c.1058-6del on transcript NM_001080449.3 (MANE Select); 6 bases into the intron before coding-DNA position 1058, one base deleted (T; older notation c.1058-6delT).
Molecular consequence: intron variant.
Genome position (GRCh38, 1-based): chr10:68,445,089, A deleted on the plus strand (T on the coding strand, the reverse complement: DNA2 is on the minus strand); the first of 8 consecutive A bases (chr10:68,445,089-68,445,096); deleting any one gives the same sequence. VCF-style (leftmost placement, unchanged base first): chr10-68445088-GA-G. GRCh37 (hg19) VCF-style: chr10-70204845-GA-G.
Other names: NC_000010.10:g.70204853del; c.1058-6del (NM_001080449.2); c.1058-13del (NM_001080449.3).
Identifiers: ClinVar variation 516786 (VCV000516786.15), dbSNP rs201474338, ClinGen allele CA5525138.
Genomic context (GRCh38, chr10:68,445,088, plus strand): 5'-TTTGCTAATACGGTGAAACAATGAGAATGCCATCTGGTTTCTTAGCTTTAATAATTCTAT[GA>G]AAAAAAAGGTGAATGTCTTTTTAAGAGTTAAATAAAGTTTATCATGTCTTTTTCACTACA-3'

ClinVar aggregate classification (germline): Benign. Review status: criteria provided, multiple submitters, no conflicts (2 of 4 stars). 3 submissions from 3 submitters: Benign (2). 1 of the submissions does not count toward it. Last evaluated 2026-02-01.

Submissions (6):

Labcorp Genetics (formerly Invitae), Labcorp
Classification: Benign. Last evaluated: 2026-02-01. Review status: criteria provided, single submitter. Criteria: Invitae Variant Classification Sherloc (09022015). Collection method: clinical testing. Allele origin: germline.

GeneDx
Classification: Benign. Last evaluated: 2017-03-08. Review status: criteria provided, single submitter. Criteria: GeneDx Variant Classification (06012015). Collection method: clinical testing. Allele origin: germline. Affected: yes.
Comment: This variant is considered likely benign or benign based on one or more of the following criteria: it is a conservative change, it occurs at a poorly conserved position in the protein, it is predicted to be benign by multiple in silico algorithms, and/or has population frequency not consistent with disease.

Mayo Clinic Laboratories, Mayo Clinic
Classification: Likely benign. Last evaluated: 2016-03-16. Review status: no assertion criteria provided. Collection method: clinical testing. Allele origin: unknown. Not counted in ClinVar's aggregate classification.

Dr. Peter K. Rogan Lab, Western University
No classification provided (evidence only). Condition: Familial cancer of breast. Review status: no classification provided. Collection method: in vitro. Allele origin: not applicable. Functional consequence: retained intron. Not counted in ClinVar's aggregate classification.

Dr. Peter K. Rogan Lab, Western University
No classification provided (evidence only). Condition: Cholangiocarcinoma. Review status: no classification provided. Collection method: in vitro. Allele origin: not applicable. Functional consequence: retained intron. Not counted in ClinVar's aggregate classification.

Dr. Peter K. Rogan Lab, Western University
No classification provided (evidence only). Condition: Gastric cancer. Review status: no classification provided. Collection method: in vitro. Allele origin: not applicable. Functional consequence: retained intron. Not counted in ClinVar's aggregate classification.